The following is an entry in ClinVar:

ClinVar aggregate classification (germline): Pathogenic/Likely pathogenic. Review status: criteria provided, multiple submitters, no conflicts (2 of 4 stars). 3 submissions from 3 submitters: Pathogenic (1); Likely pathogenic (2). Last evaluated 2025-07-30.

Conditions:
Meckel-Gruber syndrome. Also called: Dysencephalia splachnocystica; DYSENCEPHALIA SPLANCHNOCYSTICA; GRUBER SYNDROME. Identifiers: Orphanet 564, MedGen C0265215, MONDO:0018921.
Nephronophthisis. Also called: Juvenile Nephronophthisis. Identifiers: Orphanet 655, MedGen C0687120, MONDO:0019005, HP:0000090.
Joubert syndrome. Also called: Familial aplasia of the vermis; CEREBELLOPARENCHYMAL DISORDER IV; JOUBERT-BOLTSHAUSER SYNDROME. Identifiers: Orphanet 475, MedGen C5979921, MONDO:0018772.
Leber congenital amaurosis (LCA). Also called: Leber's amaurosis. Identifiers: Orphanet 65, MedGen C0339527, MeSH D057130, MONDO:0018998.
Bardet-Biedl syndrome 14 (BBS14). Identifiers: Orphanet 110, MedGen C2673874, MONDO:0014442, OMIM 615991.

Submissions (3):

Labcorp Genetics (formerly Invitae), Labcorp
Classification: Pathogenic for Joubert syndrome; Meckel-Gruber syndrome; Nephronophthisis. Last evaluated: 2025-07-30. Review status: criteria provided, single submitter. Criteria: Invitae Variant Classification Sherloc (09022015). Collection method: clinical testing. Allele origin: germline.
Comment: This sequence change creates a premature translational stop signal (p.Asn212Lysfs*3) in the CEP290 gene. It is expected to result in an absent or disrupted protein product. Loss-of-function variants in CEP290 are known to be pathogenic (PMID: 16909394, 17345604, 20690115). The frequency data for this variant in the population databases is considered unreliable, as metrics indicate poor data quality at this position in the gnomAD database. This variant has not been reported in the literature in individuals affected with CEP290-related conditions. ClinVar contains an entry for this variant (Variation ID: 958391). For these reasons, this variant has been classified as Pathogenic.

Natera, Inc.
Classification: Likely pathogenic for Leber congenital amaurosis. Last evaluated: 2024-06-06. Review status: criteria provided, single submitter. Criteria: Natera Variant Classification Schema (03/2026). Collection method: clinical testing. Allele origin: germline.
Comment: The c.635dupA variant in CEP290 is a frameshift variant predicted to shift the reading frame beginning at codon 212 and leads to a stop codon 3 codons downstream. This variant is expected to result in nonsense mediated decay, truncation, or a dysfunctional protein product. This variant is rare in the general population with a frequency below the threshold expected for the associated phenotype(s). Given the available evidence, this variant is classified as Likely Pathogenic.

Baylor Genetics
Classification: Likely pathogenic for Bardet-Biedl syndrome 14. Last evaluated: 2023-06-13. Review status: criteria provided, single submitter. Criteria: ACMG Guidelines, 2015. Collection method: clinical testing. Allele origin: unknown.

Literature cited by the submitters: PubMed 16909394 (cited by Labcorp Genetics (formerly Invitae), Labcorp); PubMed 17345604 (cited by Labcorp Genetics (formerly Invitae), Labcorp); PubMed 20690115 (cited by Labcorp Genetics (formerly Invitae), Labcorp).

NM_025114.4(CEP290):c.635dup (p.Asn212fs)

Gene: CEP290 (centrosomal protein 290; minus strand). Cytogenetic location: 12q21.32.
Variant type: Duplication.
Coding change: c.635dup on transcript NM_025114.4 (MANE Select); coding-DNA position 635, one base duplicated (A; older notation c.635dupA).
Protein change: p.Asn212fs; shifts the reading frame from asparagine 212.
Molecular consequence: frameshift variant.
Genome position (GRCh38, 1-based): chr12:88,130,302, T duplicated on the plus strand (A on the coding strand, the reverse complement: CEP290 is on the minus strand); the first of 8 consecutive T bases (chr12:88,130,302-88,130,309); duplicating any one gives the same sequence. VCF-style (leftmost placement, unchanged base first): chr12-88130301-G-GT. GRCh37 (hg19) VCF-style: chr12-88524078-G-GT.
Other names: c.635dupA (NM_025114.3); short protein forms N212fs.
Identifiers: ClinVar variation 958391 (VCV000958391.10), dbSNP rs769091629, ClinGen allele CA6712720.